The following is an entry in ClinVar:

NM_001375524.1(TRRAP):c.736G>A (p.Val246Ile)

Gene: TRRAP (transformation/transcription domain associated protein; plus strand). Cytogenetic location: 7q22.1.
Variant type: single nucleotide variant.
Coding change: c.736G>A on transcript NM_001375524.1 (MANE Select); coding-DNA position 736, G replaced by A.
Protein change: p.Val246Ile; replaces valine 246 with isoleucine.
Molecular consequence: missense variant.
Genome position (GRCh38, 1-based): chr7:98,899,703, G>A. VCF-style: chr7-98899703-G-A. GRCh37 (hg19) VCF-style: chr7-98497326-G-A.
Other names: c.736G>A, p.Val246Ile (NM_001244580.2, NM_003496.4); short protein forms V246I.
Identifiers: ClinVar variation 2121131 (VCV002121131.4), dbSNP rs1554406336, ClinGen allele CA368280310.

ClinVar aggregate classification (germline): Uncertain significance (1 of 4 stars; one submission).

Allele frequency attached by ClinVar (database versions not stated): gnomAD exomes below 0.00001.
gnomAD v4.1: 4 of 1,614,158 alleles (0.00025%); highest among the groups gnomAD compares: East Asian, 0.0045%; no homozygotes.

Submission:

Labcorp Genetics (formerly Invitae), Labcorp
Classification: Uncertain significance. Last evaluated: 2022-04-03. Review status: criteria provided, single submitter. Criteria: Invitae Variant Classification Sherloc (09022015). Collection method: clinical testing. Allele origin: germline.
Comment: This sequence change replaces valine, which is neutral and non-polar, with isoleucine, which is neutral and non-polar, at codon 246 of the TRRAP protein (p.Val246Ile). This variant is present in population databases (no rsID available, gnomAD 0.006%). This variant has not been reported in the literature in individuals affected with TRRAP-related conditions. Algorithms developed to predict the effect of missense changes on protein structure and function (SIFT, PolyPhen-2, Align-GVGD) all suggest that this variant is likely to be tolerated. In summary, the available evidence is currently insufficient to determine the role of this variant in disease. Therefore, it has been classified as a Variant of Uncertain Significance.